The following is an entry in ClinVar:

NC_012920.1(MT-CO2):m.7806T>C

Gene: MT-CO2 (mitochondrially encoded cytochrome c oxidase II; plus strand).
Variant type: single nucleotide variant.
Genome position: chrM-7806-T-C.
Identifiers: ClinVar variation 692780 (VCV000692780.1), dbSNP rs1603221147, ClinGen allele CA414793817.

ClinVar aggregate classification (germline): Uncertain significance (1 of 4 stars; one submission).

Conditions:
Leigh syndrome (NULS). Also called: Leigh's necrotizing encephalopathy; Leigh's disease; Leigh Syndrome (mtDNA deletion); Leigh Disease; Subacute necrotizing encephalopathy; Necrotizing encephalopathy infantile subacute of Leigh. Identifiers: Orphanet 506, MedGen C2931891, MONDO:0009723, OMIM 256000.

Submission:

Wong Mito Lab, Molecular and Human Genetics, Baylor College of Medicine
Classification: Uncertain significance for Leigh syndrome. Last evaluated: 2019-10-17. Review status: criteria provided, single submitter. Criteria: Modified ACMG Guidelines (Unpublished). Collection method: clinical testing. Allele origin: germline.
Comment: The NC_012920.1:m.7806T>C (YP_003024029.1:p.Val74Ala) variant in MTCO2 gene is interpretated to be a Uncertain Significance variant based on the modified ACMG guidelines (unpublished). This variant meets the following evidence codes: PP7